The following is an entry in ClinVar:

NM_006767.4(LZTR1):c.1615+4C>T

Gene: LZTR1 (leucine zipper like post translational regulator 1; plus strand). Cytogenetic location: 22q11.21.
Variant type: single nucleotide variant.
Coding change: c.1615+4C>T on transcript NM_006767.4 (MANE Select); 4 bases into the intron after coding-DNA position 1615, C replaced by T.
Molecular consequence: intron variant.
Genome position (GRCh38, 1-based): chr22:20,994,273, C>T. VCF-style: chr22-20994273-C-T. GRCh37 (hg19) VCF-style: chr22-21348562-C-T.
Identifiers: ClinVar variation 929197 (VCV000929197.18), dbSNP rs551144605, ClinGen allele CA10118955.

ClinVar aggregate classification (germline): Benign/Likely benign. Review status: criteria provided, multiple submitters, no conflicts (2 of 4 stars). 7 submissions from 7 submitters: Benign (1); Likely benign (5). 1 of the submissions does not count toward it. Last evaluated 2026-09-01.

Conditions:
LZTR1-related disorder. Also called: LZTR1-related disorders; LZTR1-related condition.
Hereditary cancer-predisposing syndrome. Also called: Neoplastic Syndromes, Hereditary; Tumor predisposition; Hereditary neoplastic syndrome; Hereditary Cancer Syndrome. Identifiers: Orphanet 140162, MedGen C0027672, MeSH D009386, MONDO:0015356.
Cardiovascular phenotype. Identifiers: MedGen CN230736.

Allele frequency attached by ClinVar (database versions not stated): gnomAD 0.00002 and 0.00013; TOPMed 0.00005; gnomAD exomes 0.00022 and 0.00034; ExAC 0.00042; 1000 Genomes Project 0.00060; 1000 Genomes Project 30x 0.00062.
gnomAD v4.1: 326 of 1,597,080 alleles (0.02%); highest among the groups gnomAD compares: South Asian, 0.26%; 4 homozygotes.

Submissions (7):

CeGaT Center for Human Genetics Tuebingen
Classification: Likely benign. Last evaluated: 2026-09-01. Review status: criteria provided, single submitter. Criteria: CeGaT Center For Human Genetics Tuebingen Variant Classification Criteria Version 2. Collection method: clinical testing. Allele origin: germline. Affected: yes. Observed: 1 variant allele.
Comment: LZTR1: BP4, BS1

Labcorp Genetics (formerly Invitae), Labcorp
Classification: Likely benign. Last evaluated: 2026-01-19. Review status: criteria provided, single submitter. Criteria: Invitae Variant Classification Sherloc (09022015). Collection method: clinical testing. Allele origin: germline.

Blueprint Genetics
Classification: Likely benign. Last evaluated: 2023-12-01. Review status: criteria provided, single submitter. Criteria: ACMG Guidelines, 2015. Collection method: clinical testing. Allele origin: germline.

GeneDx
Classification: Likely benign. Last evaluated: 2020-12-11. Review status: criteria provided, single submitter. Criteria: GeneDx Variant Classification Process June 2021. Collection method: clinical testing. Allele origin: germline. Affected: yes.

Ambry Genetics
Classification: Likely benign for Cardiovascular phenotype; Hereditary cancer-predisposing syndrome. Last evaluated: 2020-12-06. Review status: criteria provided, single submitter. Criteria: Ambry Variant Classification Scheme 2023. Collection method: clinical testing. Allele origin: germline.

Women's Health and Genetics/Laboratory Corporation of America, LabCorp
Classification: Benign. Last evaluated: 2019-10-21. Review status: criteria provided, single submitter. Criteria: LabCorp Variant Classification Summary - May 2015. Collection method: clinical testing. Allele origin: germline.
Comment: Variant summary: LZTR1 c.1615+4C>T alters a non-conserved nucleotide located close to a canonical splice site and therefore could affect mRNA splicing, leading to a significantly altered protein sequence. 4/4 computational tools predict no significant impact on normal splicing. However, these predictions have yet to be confirmed by functional studies. The variant allele was found at a frequency of 0.00034 in 230052 control chromosomes, predominantly at a frequency of 0.0023 within the South Asian subpopulation in the gnomAD database, including 1 homozygotes. The observed variant frequency within South Asian control individuals in the gnomAD database is approximately 460 fold of the estimated maximal expected allele frequency for a pathogenic variant in LZTR1 causing Noonan Syndrome and Related Conditions phenotype (5e-06), strongly suggesting that the variant is a benign polymorphism found primarily in populations of South Asian origin. To our knowledge, no occurrence of c.1615+4C>T in individuals affected with Noonan Syndrome and Related Conditions and no experimental evidence demonstrating its impact on protein function have been reported. No clinical diagnostic laboratories have submitted clinical-significance assessments for this variant to ClinVar after 2014. Based on the evidence outlined above, the variant was classified as benign.

PreventionGenetics, part of Exact Sciences
Classification: Likely benign for LZTR1-related condition. Last evaluated: 2023-03-29. Review status: no assertion criteria provided. Collection method: clinical testing. Allele origin: germline. Not counted in ClinVar's aggregate classification.
Comment: This variant is classified as likely benign based on ACMG/AMP sequence variant interpretation guidelines (Richards et al. 2015 PMID: 25741868, with internal and published modifications).